The following is an entry in ClinVar:

NM_001384474.1(LOXHD1):c.6169C>T (p.Arg2057Trp)

Gene: LOXHD1 (lipoxygenase homology PLAT domains 1; minus strand). Cytogenetic location: 18q21.1.
Variant type: single nucleotide variant.
Coding change: c.6169C>T on transcript NM_001384474.1 (MANE Select); coding-DNA position 6169, C replaced by T.
Protein change: p.Arg2057Trp; replaces arginine 2057 with tryptophan.
Molecular consequence: missense variant.
Genome position (GRCh38, 1-based): chr18:46,485,032, G>A on the plus strand (C>T on the coding strand, the complement: LOXHD1 is on the minus strand). VCF-style: chr18-46485032-G-A. GRCh37 (hg19) VCF-style: chr18-44064995-G-A.
Other names: c.5983C>T (NM_144612.6); c.2836C>T, p.Arg946Trp (NM_001145472.3); c.886C>T, p.Arg296Trp (NM_001145473.3, NM_001173129.2); c.2548C>T, p.Arg850Trp (NM_001308013.2); c.5983C>T, p.Arg1995Trp (NM_144612.7); short protein forms R850W, R946W, R1995W, R296W, R2057W.
Identifiers: ClinVar variation 2143084 (VCV002143084.5), dbSNP rs201981751, ClinGen allele CA8952082.
Genomic context (GRCh38, chr18:46,485,032, plus strand): 5'-CTTACCTACCCACCCCCCACCACTTCCCATGGGCCTCCCCTTCCTACTTCCTAAAGGCCC[G>A]CTGCCTAGAAGAATTTTCCATGAGAAACTCTTTGGATCGGTTCTTCCTGCCCTCCAGGAT-3'
Protein context (NP_001371403.1, residues 2047-2067): EFLMENSSRQ[Arg2057Trp]AFRKGTTDTF

ClinVar aggregate classification (germline): Uncertain significance. Review status: criteria provided, multiple submitters, no conflicts (2 of 4 stars). 3 submissions from 3 submitters: Uncertain significance (3). Last evaluated 2026-03-23.

Conditions:
Inborn genetic diseases. Identifiers: MedGen C0950123, MeSH D030342.
LOXHD1-related disorder. Also called: LOXHD1-related condition.

Allele frequency attached by ClinVar (database versions not stated): gnomAD 0.00001; gnomAD exomes 0.00002; ExAC 0.00005; ESP Exome Variant Server 0.00022.
gnomAD v4.1: 36 of 1,549,080 alleles (0.0023%); highest among the groups gnomAD compares: Admixed American, 0.024%; no homozygotes.

Submissions (3):

PreventionGenetics, part of Exact Sciences
Classification: Uncertain significance for LOXHD1-related condition. Last evaluated: 2026-03-23. Review status: criteria provided, single submitter. Criteria: ACMG Guidelines, 2015. Collection method: clinical testing. Allele origin: germline.
Comment: The LOXHD1 c.5983C>T variant is predicted to result in the amino acid substitution p.Arg1995Trp. To our knowledge, this variant has not been reported in the literature. This variant is reported in 0.043% of alleles in individuals of Latino descent in gnomAD. At this time, the clinical significance of this variant is uncertain due to the absence of conclusive functional and genetic evidence.

Ambry Genetics
Classification: Uncertain significance for Inborn genetic diseases. Last evaluated: 2025-02-19. Review status: criteria provided, single submitter. Criteria: Ambry Variant Classification Scheme 2023. Collection method: clinical testing. Allele origin: germline.

Labcorp Genetics (formerly Invitae), Labcorp
Classification: Uncertain significance. Last evaluated: 2024-10-24. Review status: criteria provided, single submitter. Criteria: Invitae Variant Classification Sherloc (09022015). Collection method: clinical testing. Allele origin: germline.
Comment: This sequence change replaces arginine, which is basic and polar, with tryptophan, which is neutral and slightly polar, at codon 1995 of the LOXHD1 protein (p.Arg1995Trp). This variant is present in population databases (rs201981751, gnomAD 0.04%). This variant has not been reported in the literature in individuals affected with LOXHD1-related conditions. ClinVar contains an entry for this variant (Variation ID: 2143084). An algorithm developed to predict the effect of missense changes on protein structure and function (PolyPhen-2) suggests that this variant is likely to be disruptive. Algorithms developed to predict the effect of sequence changes on RNA splicing suggest that this variant may disrupt the consensus splice site. In summary, the available evidence is currently insufficient to determine the role of this variant in disease. Therefore, it has been classified as a Variant of Uncertain Significance.